The following is an entry in ClinVar:

ClinVar aggregate classification (germline): Uncertain significance. Review status: criteria provided, multiple submitters, no conflicts (2 of 4 stars). 3 submissions from 3 submitters: Uncertain significance (3). Last evaluated 2024-09-20.

Conditions:
Inborn genetic diseases. Identifiers: MedGen C0950123, MeSH D030342.

Allele frequency attached by ClinVar (database versions not stated): TOPMed below 0.00001; gnomAD exomes 0.00001; ExAC 0.00002.
gnomAD v4.1: 21 of 1,613,814 alleles (0.0013%); highest among the groups gnomAD compares: Middle Eastern, 0.05%; no homozygotes.

Submissions (3):

Blueprint Genetics
Classification: Uncertain significance. Last evaluated: 2024-09-20. Review status: criteria provided, single submitter. Criteria: ACMG Guidelines, 2015. Collection method: clinical testing. Allele origin: germline.

Ambry Genetics
Classification: Uncertain significance for Inborn genetic diseases. Last evaluated: 2023-02-15. Review status: criteria provided, single submitter. Criteria: Ambry Variant Classification Scheme 2023. Collection method: clinical testing. Allele origin: germline.

Labcorp Genetics (formerly Invitae), Labcorp
Classification: Uncertain significance. Last evaluated: 2022-07-11. Review status: criteria provided, single submitter. Criteria: Invitae Variant Classification Sherloc (09022015). Collection method: clinical testing. Allele origin: germline.
Comment: This sequence change replaces proline, which is neutral and non-polar, with arginine, which is basic and polar, at codon 282 of the ADAMTS18 protein (p.Pro282Arg). This variant is present in population databases (rs750872826, gnomAD 0.002%). This variant has not been reported in the literature in individuals affected with ADAMTS18-related conditions. ClinVar contains an entry for this variant (Variation ID: 855862). Algorithms developed to predict the effect of missense changes on protein structure and function are either unavailable or do not agree on the potential impact of this missense change (SIFT: "Not Available"; PolyPhen-2: "Benign"; Align-GVGD: "Not Available"). In summary, the available evidence is currently insufficient to determine the role of this variant in disease. Therefore, it has been classified as a Variant of Uncertain Significance.

NM_199355.4(ADAMTS18):c.845C>G (p.Pro282Arg)

Gene: ADAMTS18 (ADAM metallopeptidase with thrombospondin type 1 motif 18; minus strand). Cytogenetic location: 16q23.1.
Variant type: single nucleotide variant.
Coding change: c.845C>G on transcript NM_199355.4 (MANE Select); coding-DNA position 845, C replaced by G.
Protein change: p.Pro282Arg; replaces proline 282 with arginine.
Molecular consequence: missense variant.
Genome position (GRCh38, 1-based): chr16:77,364,315, G>C on the plus strand (C>G on the coding strand, the complement: ADAMTS18 is on the minus strand). VCF-style: chr16-77364315-G-C. GRCh37 (hg19) VCF-style: chr16-77398212-G-C.
Other names: c.329C>G, p.Pro110Arg (NM_001326358.2); c.845C>G (NM_199355.2); short protein forms P282R, P110R.
Identifiers: ClinVar variation 855862 (VCV000855862.9), dbSNP rs750872826, ClinGen allele CA8181526.